The following is an entry in ClinVar:

ClinVar aggregate classification (germline): Uncertain significance (1 of 4 stars; one submission).

Submission:

Labcorp Genetics (formerly Invitae), Labcorp
Classification: Uncertain significance. Last evaluated: 2025-07-21. Review status: criteria provided, single submitter. Criteria: Invitae Variant Classification Sherloc (09022015). Collection method: clinical testing. Allele origin: germline.
Comment: This variant, c.2693_2752dup, results in the insertion of 20 amino acid(s) of the DLC1 protein (p.Gln917_Arg918ins20), but otherwise preserves the integrity of the reading frame. This variant is not present in population databases (gnomAD no frequency). This variant has not been reported in the literature in individuals affected with DLC1-related conditions. In summary, the available evidence is currently insufficient to determine the role of this variant in disease. Therefore, it has been classified as a Variant of Uncertain Significance.

NM_182643.3(DLC1):c.2693_2752dup (p.Gln917_Arg918insGlnAsnGluAspIlePheProGluLeuAspAspIleLeuTyrHisValLysGlyMetGln)

Gene: DLC1 (DLC1 Rho GTPase activating protein; minus strand). Cytogenetic location: 8p22.
Variant type: Duplication.
Coding change: c.2693_2752dup on transcript NM_182643.3 (MANE Select); coding-DNA positions 2693 to 2752, 60 bases duplicated.
Protein change: p.Gln917_Arg918insGlnAsnGluAspIlePheProGluLeuAspAspIleLeuTyrHisValLysGlyMetGln.
Molecular consequence: inframe insertion.
Genome position (GRCh38, 1-based): chr8:13,099,585-13,099,644, 60 bases duplicated. GRCh37 (hg19): chr8:12,957,094-12,957,153.
Other names: c.1160_1219dup, p.Gln406_Arg407insGlnAsnGluAspIlePheProGluLeuAspAspIleLeuTyrHisValLysGlyMetGln (NM_001164271.2, NM_001348082.2, NM_001348083.1 and 6 more transcripts); c.1484_1543dup, p.Gln514_Arg515insGlnAsnGluAspIlePheProGluLeuAspAspIleLeuTyrHisValLysGlyMetGln (NM_001316668.2, NM_001413129.1); c.2693_2752dup, p.Gln917_Arg918insGlnAsnGluAspIlePheProGluLeuAspAspIleLeuTyrHisValLysGlyMetGln (NM_001348081.2, NM_001413124.1); c.1475_1534dup, p.Gln511_Arg512insGlnAsnGluAspIlePheProGluLeuAspAspIleLeuTyrHisValLysGlyMetGln (NM_001413130.1); c.1133_1192dup, p.Gln397_Arg398insGlnAsnGluAspIlePheProGluLeuAspAspIleLeuTyrHisValLysGlyMetGln (NM_001413131.1, NM_001413137.1); c.1619_1678dup, p.Gln559_Arg560insGlnAsnGluAspIlePheProGluLeuAspAspIleLeuTyrHisValLysGlyMetGln (NM_001413132.1); c.1382_1441dup, p.Gln480_Arg481insGlnAsnGluAspIlePheProGluLeuAspAspIleLeuTyrHisValLysGlyMetGln (NM_001413135.1, NM_001413136.1, NM_001413139.1 and 1 more transcripts); c.1517_1576dup, p.Gln525_Arg526insGlnAsnGluAspIlePheProGluLeuAspAspIleLeuTyrHisValLysGlyMetGln (NM_001413140.1).
Identifiers: ClinVar variation 4723288 (VCV004723288.1).